The following is an entry in ClinVar:

NM_002055.5(GFAP):c.1106T>C (p.Leu369Pro)

Genes: GFAP (glial fibrillary acidic protein; minus strand), LOC130060994 (ATAC-STARR-seq lymphoblastoid active region 12266; plus strand). Cytogenetic location: 17q21.31.
Variant type: single nucleotide variant.
Coding change: c.1106T>C on transcript NM_002055.5 (MANE Select); coding-DNA position 1106, T replaced by C.
Protein change: p.Leu369Pro; replaces leucine 369 with proline.
Molecular consequence: missense variant.
Genome position (GRCh38, 1-based): chr17:44,911,257, A>G on the plus strand (T>C on the coding strand, the complement: GFAP is on the minus strand). VCF-style: chr17-44911257-A-G. GRCh37 (hg19) VCF-style: chr17-42988625-A-G.
Other names: c.1106T>C, p.Leu369Pro (NM_001131019.3, NM_001242376.3, NM_001363846.2); short protein forms L369P.
Identifiers: ClinVar variation 3359109 (VCV003359109.2).
Genomic context (GRCh38, chr17:44,911,257, plus strand): 5'-AGCAGGGAGACTTCCCCAGGGGCTGTGATGAGGGCTCACCGGTTCTCCTCGCCCTCTAGC[A>G]GCTTCCTGTAGGTGGCGATCTCGATGTCCAGGGCCAGCTTGACATTGAGCAGGTCCTGGT-3'
Protein context (NP_002046.1, residues 359-379): LDIEIATYRK[Leu369Pro]LEGEENRITI

ClinVar aggregate classification (germline): Pathogenic (1 of 4 stars; one submission).

Conditions:
Alexander disease (ALXDRD). Also called: Alexander's disease. Identifiers: Orphanet 58, MedGen C0270726, MONDO:0008752, OMIM 203450.

Submission:

Institute of Human Genetics, University of Leipzig Medical Center
Classification: Pathogenic for Alexander disease. Last evaluated: 2024-09-24. Review status: criteria provided, single submitter. Criteria: ACMG Guidelines, 2015. Collection method: clinical testing. Allele origin: de novo. Inheritance: Autosomal dominant inheritance. Affected: yes.
Comment: Criteria applied: PS2,PS4_MOD,PM1,PM2,PP3